The following is an entry in ClinVar:

NM_000020.3(ACVRL1):c.1313T>C (p.Met438Thr)

Gene: ACVRL1 (activin A receptor like type 1; plus strand). Cytogenetic location: 12q13.13.
Variant type: single nucleotide variant.
Coding change: c.1313T>C on transcript NM_000020.3 (MANE Select); coding-DNA position 1313, T replaced by C.
Protein change: p.Met438Thr; replaces methionine 438 with threonine.
Molecular consequence: missense variant.
Genome position (GRCh38, 1-based): chr12:51,919,051, T>C. VCF-style: chr12-51919051-T-C. GRCh37 (hg19) VCF-style: chr12-52312835-T-C.
Other names: p.Met438Thr; c.1313T>C, p.Met438Thr (NM_001077401.2); short protein forms M438T.
Identifiers: ClinVar variation 533343 (VCV000533343.21), dbSNP rs1555153828, ClinGen allele CA384904048.
Genomic context (GRCh38, chr12:51,919,051, plus strand): 5'-TGGAGGACTATAGACCACCCTTCTATGATGTGGTGCCCAATGACCCCAGCTTTGAGGACA[T>C]GAAGAAGGTGGTGTGTGTGGATCAGCAGACCCCCACCATCCCTAACCGGCTGGCTGCAGA-3'
Protein context (NP_000011.2, residues 428-448): VVPNDPSFED[Met438Thr]KKVVCVDQQT

ClinVar aggregate classification (germline): Pathogenic/Likely pathogenic. Review status: criteria provided, multiple submitters, no conflicts (2 of 4 stars). 4 submissions from 4 submitters: Pathogenic (2); Likely pathogenic (1). 1 of the submissions does not count toward it. Last evaluated 2025-07-21.

Conditions:
Telangiectasia, hereditary hemorrhagic, type 2 (HHT2). Also called: Telangiectasia, hereditary hemorrhagic, type II; ACVRL1-Related Hereditary Hemorrhagic Telangiectasia. Identifiers: Orphanet 774, MedGen C1838163, MONDO:0010880, OMIM 600376. Disease mechanism: loss of function.
ACVRL1-related disorder. Also called: ACVRL1-related condition; ACVRL1-related disorders.

Submissions (4):

Mayo Clinic Laboratories, Mayo Clinic
Classification: Pathogenic. Last evaluated: 2025-07-21. Review status: criteria provided, single submitter. Criteria: ACMG Guidelines, 2015. Collection method: clinical testing. Allele origin: germline. Observed: 1 variant allele.
Comment: PP1_strong, PP3_moderate, PP4_moderate, PM2_supporting, PS4_moderate

Labcorp Genetics (formerly Invitae), Labcorp
Classification: Pathogenic for Telangiectasia, hereditary hemorrhagic, type 2. Last evaluated: 2025-05-27. Review status: criteria provided, single submitter. Criteria: Invitae Variant Classification Sherloc (09022015). Collection method: clinical testing. Allele origin: germline.
Comment: This sequence change replaces methionine, which is neutral and non-polar, with threonine, which is neutral and polar, at codon 438 of the ACVRL1 protein (p.Met438Thr). This variant is not present in population databases (gnomAD no frequency). This missense change has been observed in individuals with hereditary hemorrhagic telangiectasia (PMID: 15517393, 31327192; internal data). ClinVar contains an entry for this variant (Variation ID: 533343). Invitae Evidence Modeling of protein sequence and biophysical properties (such as structural, functional, and spatial information, amino acid conservation, physicochemical variation, residue mobility, and thermodynamic stability) indicates that this missense variant is expected to disrupt ACVRL1 protein function with a positive predictive value of 95%. This variant disrupts the p.Met438 amino acid residue in ACVRL1. Other variant(s) that disrupt this residue have been observed in individuals with ACVRL1-related conditions (PMID: 21158752, 28655553), which suggests that this may be a clinically significant amino acid residue. For these reasons, this variant has been classified as Pathogenic.

ARUP Laboratories, Molecular Genetics and Genomics, ARUP Laboratories
Classification: Likely pathogenic for Telangiectasia, hereditary hemorrhagic, type 2. Last evaluated: 2018-11-07. Review status: criteria provided, single submitter. Criteria: ARUP Molecular Germline Variant Investigation Process. Collection method: clinical testing. Allele origin: germline.
Comment: The ACVRL1 c.1313T>C; p.Met438Thr variant is reported in the literature in at least one individual affected with hereditary hemorrhagic telangiectasia (HHT) (Letteboer 2005). This variant is reported in ClinVar (Variation ID: 533343), and is absent from general population databases (1000 Genomes Project, Exome Variant Server, and Genome Aggregation Database), indicating it is not a common polymorphism. The methionine at codon 438 is highly conserved, and computational analyses (SIFT, PolyPhen-2) predict that this variant is deleterious. Additionally, other variants at this codon (c.1313T>G, p.Met438Arg; c.1313T>A, p.Met438Lys) have been reported in individuals with vascular anomalies (Mattassi 2018, McDonald 2011). Based on available information, the p.Met438Thr variant is considered to be likely pathogenic. References: Letteboer TG et al. Hereditary hemorrhagic telangiectasia: ENG and ALK-1 mutations in Dutch patients. Hum Genet. 2005 Jan;116(1-2):8-16. Mattassi R et al. Variant discovery in patients with Mendelian vascular anomalies by next-generation sequencing and their use in patient clinical management. J Vasc Surg. 2018 Mar;67(3):922-932.e11. McDonald J et al. Molecular diagnosis in hereditary hemorrhagic telangiectasia: findings in a series tested simultaneously by sequencing and deletion/duplication analysis. Clin Genet. 2011 Apr;79(4):335-44.

PreventionGenetics, part of Exact Sciences
Classification: Likely pathogenic for ACVRL1-related condition. Last evaluated: 2023-10-20. Review status: no assertion criteria provided. Collection method: clinical testing. Allele origin: germline. Not counted in ClinVar's aggregate classification.
Comment: The ACVRL1 c.1313T>C variant is predicted to result in the amino acid substitution p.Met438Thr. This variant was reported in an individual with hereditary hemorrhagic telangiectasia (HHT) (Letteboer et al. 2005. PubMed ID: 15517393). This variant has not been reported in a large population database, indicating this variant is rare. In addition, other variants impacting the same amino acid (p.Met438Lys and p.Met438Arg) have also been reported in individuals with HHT (Mattassi et al. 2018. PubMed ID: 28655553; McDonald et al. 2010. PubMed ID: 21158752). Based on this evidence, we interpret the c.1313T>C (p.Met438Thr) variant as likely pathogenic.

Literature cited by the submitters: PubMed 15517393 (cited by Mayo Clinic Laboratories, Mayo Clinic and Labcorp Genetics (formerly Invitae), Labcorp); PubMed 21158752 (cited by Mayo Clinic Laboratories, Mayo Clinic and Labcorp Genetics (formerly Invitae), Labcorp); PubMed 28655553 (cited by Mayo Clinic Laboratories, Mayo Clinic and Labcorp Genetics (formerly Invitae), Labcorp); PubMed 31327192 (cited by Mayo Clinic Laboratories, Mayo Clinic and Labcorp Genetics (formerly Invitae), Labcorp).